The following is an entry in ClinVar:

ClinVar aggregate classification (germline): Uncertain significance (1 of 4 stars; one submission).

Submission:

CeGaT Center for Human Genetics Tuebingen
Classification: Uncertain significance. Last evaluated: 2025-11-01. Review status: criteria provided, single submitter. Criteria: CeGaT Center For Human Genetics Tuebingen Variant Classification Criteria Version 2. Collection method: clinical testing. Allele origin: germline. Affected: yes. Observed: 1 variant allele.
Comment: TRRAP: PM2

NM_001375524.1(TRRAP):c.6848A>G (p.Lys2283Arg)

Gene: TRRAP (transformation/transcription domain associated protein; plus strand). Cytogenetic location: 7q22.1.
Variant type: single nucleotide variant.
Coding change: c.6848A>G on transcript NM_001375524.1 (MANE Select); coding-DNA position 6848, A replaced by G.
Protein change: p.Lys2283Arg; replaces lysine 2283 with arginine.
Molecular consequence: missense variant.
Genome position (GRCh38, 1-based): chr7:98,964,647, A>G. VCF-style: chr7-98964647-A-G. GRCh37 (hg19) VCF-style: chr7-98562270-A-G.
Other names: c.6827A>G, p.Lys2276Arg (NM_001244580.2); c.6773A>G, p.Lys2258Arg (NM_003496.4); short protein forms K2258R, K2276R, K2283R.
Identifiers: ClinVar variation 4535237 (VCV004535237.6).